The following is an entry in ClinVar:

ClinVar aggregate classification (germline): Likely benign. Review status: criteria provided, multiple submitters, no conflicts (2 of 4 stars). 8 submissions from 8 submitters: Likely benign (7). 1 of the submissions does not count toward it. Last evaluated 2025-12-17.

Conditions:
CHEK2-related disorder.
Hereditary cancer-predisposing syndrome. Also called: Hereditary neoplastic syndrome; Hereditary Cancer Syndrome; Neoplastic Syndromes, Hereditary; Tumor predisposition. Identifiers: Orphanet 140162, MedGen C0027672, MeSH D009386, MONDO:0015356.
Familial cancer of breast. Also called: BREAST CANCER, FAMILIAL; hereditary breast carcinoma; Hereditary breast cancer. Identifiers: Orphanet 227535, MedGen C0346153, MONDO:0016419, OMIM 114480. Disease mechanism: loss of function.

Allele frequency attached by ClinVar (database versions not stated): gnomAD 0.00001; TOPMed 0.00002; gnomAD exomes 0.00003.
gnomAD v4.1: 37 of 1,309,170 alleles (0.0028%); highest among the groups gnomAD compares: Non-Finnish European, 0.004%; no homozygotes.

Submissions (8):

Labcorp Genetics (formerly Invitae), Labcorp
Classification: Likely benign for Familial cancer of breast. Last evaluated: 2025-12-17. Review status: criteria provided, single submitter. Criteria: Invitae Variant Classification Sherloc (09022015). Collection method: clinical testing. Allele origin: germline.

Institute for Biomarker Research, Medical Diagnostic Laboratories, L.L.C.
Classification: Likely benign for Hereditary cancer-predisposing syndrome. Last evaluated: 2025-03-05. Review status: criteria provided, single submitter. Criteria: ACMG Guidelines, 2015. Collection method: clinical testing. Allele origin: germline.
Comment: The intron variant NM_001005735.2(CHEK2):c.1037+10A>G has not been reported previously as a pathogenic variant, to our knowledge. The c.1037+10A>G variant is novel (not in any individuals) in gnomAD. The c.1037+10A>G variant is novel (not in any individuals) in 1kG. The c.1037+10A>G variant is not predicted to disrupt the existing donor splice site 8bp upstream by any splice site algorithm. For these reasons, this variant has been classified as Likely Benign.

Women's Health and Genetics/Laboratory Corporation of America, LabCorp
Classification: Likely benign. Last evaluated: 2024-12-12. Review status: criteria provided, single submitter. Criteria: LabCorp Variant Classification Summary - May 2015. Collection method: clinical testing. Allele origin: germline.

Molecular Diagnostics Laboratory, Catalan Institute of Oncology
Classification: Likely benign for Hereditary cancer-predisposing syndrome. Last evaluated: 2024-10-15. Review status: criteria provided, single submitter. Criteria: ACMG Guidelines, 2015. Collection method: clinical testing. Allele origin: germline.
Comment: PM2_Supporting, BP4, BP7 CHEK2:c.908+10A>G, is an intronic variant not very close to a canonical splice site, where the SpliceAI algorithm predicts no significant impact on splicing (BP4 and BP7). It is not present in the population database gnomAD v2.1.1, non-cancer dataset (PM2_supporting). To our knowledge, neither relevant case-control data nor well-established functional studies have been reported for this variant. It has been reported in 4 cancer patients from our internal cohort. This variant has been reported in the ClinVar database (4x likely benign, 1x uncertain significance), and has not been reported in the LOVD. Based on currently available information, the variant c.908+10A>G should be considered a likely benign variant, according to the ACMG/AMP guidelines.

Myriad Genetics, Inc.
Classification: Likely benign for Familial cancer of breast. Last evaluated: 2024-10-03. Review status: criteria provided, single submitter. Criteria: Myriad Autosomal Dominant, Autosomal Recessive and X-Linked Classification Criteria (2023). Collection method: clinical testing. Allele origin: unknown.
Comment: This variant is considered likely benign. This variant is intronic and is not expected to impact mRNA splicing.

Color Diagnostics, LLC DBA Color Health
Classification: Likely benign for Hereditary cancer-predisposing syndrome. Last evaluated: 2018-06-06. Review status: criteria provided, single submitter. Criteria: ACMG Guidelines, 2015. Collection method: clinical testing. Allele origin: germline.

GeneDx
Classification: Likely benign. Last evaluated: 2016-09-19. Review status: criteria provided, single submitter. Criteria: GeneDx Variant Classification (06012015). Collection method: clinical testing. Allele origin: germline. Affected: yes.
Comment: This variant is considered likely benign or benign based on one or more of the following criteria: it is a conservative change, it occurs at a poorly conserved position in the protein, it is predicted to be benign by multiple in silico algorithms, and/or has population frequency not consistent with disease.

PreventionGenetics, part of Exact Sciences
Classification: Likely benign for CHEK2-related condition. Last evaluated: 2022-01-06. Review status: no assertion criteria provided. Collection method: clinical testing. Allele origin: germline. Not counted in ClinVar's aggregate classification.
Comment: This variant is classified as likely benign based on ACMG/AMP sequence variant interpretation guidelines (Richards et al. 2015 PMID: 25741868, with internal and published modifications).

NM_007194.4(CHEK2):c.908+10A>G

Gene: CHEK2 (checkpoint kinase 2; minus strand). Cytogenetic location: 22q12.1.
Variant type: single nucleotide variant.
Coding change: c.908+10A>G on transcript NM_007194.4 (MANE Select); 10 bases into the intron after coding-DNA position 908, A replaced by G.
Molecular consequence: intron variant.
Genome position (GRCh38, 1-based): chr22:28,703,495, T>C on the plus strand (A>G on the coding strand, the complement: CHEK2 is on the minus strand). VCF-style: chr22-28703495-T-C. GRCh37 (hg19) VCF-style: chr22-29099483-T-C.
Other names: c.1037+10A>G (NM_001005735.2, NM_001438294.1, NM_001005735.3); c.245+10A>G (NM_001437942.1, NM_001257387.3); c.707+10A>G (NM_001349956.3); c.908+10A>G (NM_145862.3); c.1001+10A>G (NM_001438295.1, NM_001438293.1).
Identifiers: ClinVar variation 377659 (VCV000377659.22), dbSNP rs774973319, ClinGen allele CA16608146.